The following is an entry in ClinVar:

NM_014797.3(ZBTB24):c.376A>G (p.Thr126Ala)

Gene: ZBTB24 (zinc finger and BTB domain containing 24; minus strand). Cytogenetic location: 6q21.
Variant type: single nucleotide variant.
Coding change: c.376A>G on transcript NM_014797.3 (MANE Select); coding-DNA position 376, A replaced by G.
Protein change: p.Thr126Ala; replaces threonine 126 with alanine.
Molecular consequence: missense variant.
Genome position (GRCh38, 1-based): chr6:109,481,651, T>C on the plus strand (A>G on the coding strand, the complement: ZBTB24 is on the minus strand). VCF-style: chr6-109481651-T-C. GRCh37 (hg19) VCF-style: chr6-109802854-T-C.
Other names: c.376A>G, p.Thr126Ala (NM_001164313.2); short protein forms T126A.
Identifiers: ClinVar variation 940969 (VCV000940969.9), dbSNP rs377645525, ClinGen allele CA145111293.

ClinVar aggregate classification (germline): Uncertain significance (1 of 4 stars; one submission).

Conditions:
Immunodeficiency-centromeric instability-facial anomalies syndrome 2 (ICF2). Identifiers: Orphanet 2268, MedGen C3279748, MONDO:0013553, OMIM 614069.

Submission:

Labcorp Genetics (formerly Invitae), Labcorp
Classification: Uncertain significance for Immunodeficiency-centromeric instability-facial anomalies syndrome 2. Last evaluated: 2022-07-19. Review status: criteria provided, single submitter. Criteria: Invitae Variant Classification Sherloc (09022015). Collection method: clinical testing. Allele origin: germline.
Comment: In summary, the available evidence is currently insufficient to determine the role of this variant in disease. Therefore, it has been classified as a Variant of Uncertain Significance. Algorithms developed to predict the effect of missense changes on protein structure and function output the following: SIFT: "Not Available"; PolyPhen-2: "Benign"; Align-GVGD: "Not Available". The alanine amino acid residue is found in multiple mammalian species, which suggests that this missense change does not adversely affect protein function. ClinVar contains an entry for this variant (Variation ID: 940969). This sequence change replaces threonine, which is neutral and polar, with alanine, which is neutral and non-polar, at codon 126 of the ZBTB24 protein (p.Thr126Ala). This variant is present in population databases (rs377645525, gnomAD no frequency). This variant has not been reported in the literature in individuals affected with ZBTB24-related conditions.